The following is an entry in ClinVar:

NM_001244008.2(KIF1A):c.670A>G (p.Ile224Val)

Gene: KIF1A (kinesin family member 1A; minus strand). Cytogenetic location: 2q37.3.
Variant type: single nucleotide variant.
Coding change: c.670A>G on transcript NM_001244008.2 (MANE Select); coding-DNA position 670, A replaced by G.
Protein change: p.Ile224Val; replaces isoleucine 224 with valine.
Molecular consequence: missense variant.
Genome position (GRCh38, 1-based): chr2:240,785,039, T>C on the plus strand (A>G on the coding strand, the complement: KIF1A is on the minus strand). VCF-style: chr2-240785039-T-C. GRCh37 (hg19) VCF-style: chr2-241724456-T-C.
Other names: c.670A>G, p.Ile224Val (NM_001320705.2, NM_001330289.2, NM_001330290.2 and 20 more transcripts); short protein forms I224V.
Identifiers: ClinVar variation 1419651 (VCV001419651.8), dbSNP rs2126062499, ClinGen allele CA351304648.

ClinVar aggregate classification (germline): Uncertain significance (1 of 4 stars; one submission).

Conditions:
Hereditary spastic paraplegia 30. Identifiers: Orphanet 101010, MedGen C5235139, MONDO:0012476.
Neuropathy, hereditary sensory, type 2C. Also called: Hereditary sensory and autonomic neuropathy type IIC; KIF1A-Related HSAN2 (HSAN2C). Identifiers: Orphanet 970, MedGen C3280168, MONDO:0013634, OMIM 614213.
Intellectual disability, autosomal dominant 9 (NESCAVS). Also called: NESCAV SYNDROME; KIF1A-Related Neurodevelopmental Disorder. Identifiers: Orphanet 662367, MedGen C5393830, MONDO:0013656, OMIM 614255.

Allele frequency attached by ClinVar (database versions not stated): gnomAD exomes below 0.00001.
gnomAD v4.1: 1 of 1,613,590 alleles (0.000062%); highest among the groups gnomAD compares: Non-Finnish European, 0.000085%; no homozygotes.

Submission:

Labcorp Genetics (formerly Invitae), Labcorp
Classification: Uncertain significance for Hereditary spastic paraplegia 30; Neuropathy, hereditary sensory, type 2C; Intellectual disability, autosomal dominant 9. Last evaluated: 2021-05-31. Review status: criteria provided, single submitter. Criteria: Invitae Variant Classification Sherloc (09022015). Collection method: clinical testing. Allele origin: germline.
Comment: This variant is not present in population databases (ExAC no frequency). In summary, the available evidence is currently insufficient to determine the role of this variant in disease. Therefore, it has been classified as a Variant of Uncertain Significance. Algorithms developed to predict the effect of missense changes on protein structure and function (SIFT, PolyPhen-2, Align-GVGD) all suggest that this variant is likely to be tolerated, but these predictions have not been confirmed by published functional studies and their clinical significance is uncertain. This variant has not been reported in the literature in individuals with KIF1A-related conditions. This sequence change replaces isoleucine with valine at codon 224 of the KIF1A protein (p.Ile224Val). The isoleucine residue is highly conserved and there is a small physicochemical difference between isoleucine and valine.